The following is an entry in ClinVar:

ClinVar aggregate classification (germline): Likely benign (0 of 4 stars; one submission).

Conditions:
CUL9-related disorder. Also called: CUL9-related condition.

Allele frequency attached by ClinVar (database versions not stated): TOPMed 0.00288; 1000 Genomes Project 0.00300; 1000 Genomes Project 30x 0.00312; gnomAD 0.00313; ESP Exome Variant Server 0.00346; gnomAD exomes 0.00500; ExAC 0.00525.
gnomAD v4.1: 7,661 of 1,598,966 alleles (0.48%); highest among the groups gnomAD compares: Non-Finnish European, 0.59%; 31 homozygotes.

Submission:

PreventionGenetics, part of Exact Sciences
Classification: Likely benign for CUL9-related condition. Last evaluated: 2019-02-19. Review status: no assertion criteria provided. Collection method: clinical testing. Allele origin: germline.
Comment: This variant is classified as likely benign based on ACMG/AMP sequence variant interpretation guidelines (Richards et al. 2015 PMID: 25741868, with internal and published modifications).

NM_015089.4(CUL9):c.7166G>A (p.Arg2389Gln)

Gene: CUL9 (cullin 9; plus strand). Cytogenetic location: 6p21.1.
Variant type: single nucleotide variant.
Coding change: c.7166G>A on transcript NM_015089.4 (MANE Select); coding-DNA position 7166, G replaced by A.
Protein change: p.Arg2389Gln; replaces arginine 2389 with glutamine.
Molecular consequence: missense variant.
Genome position (GRCh38, 1-based): chr6:43,223,279, G>A. VCF-style: chr6-43223279-G-A. GRCh37 (hg19) VCF-style: chr6-43191017-G-A.
Other names: short protein forms R2389Q.
Identifiers: ClinVar variation 3043201 (VCV003043201.2), dbSNP rs61743530, ClinGen allele CA3818903.
Genomic context (GRCh38, chr6:43,223,279, plus strand): 5'-TGAGAATGAGAAGGGAGGGAGCCTCTGTGCCTGCCCCCTCTGCAGAGGAAACCCTGCTGC[G>A]GTGCAGAGACCTGGCCTCCTCCCTGCGCCTCCTGCGGGCCGACTGCCTCAGCACGGGCAT-3'
Protein context (NP_055904.1, residues 2379-2399): LQILLEETLL[Arg2389Gln]CRDLASSLRL